The following is an entry in ClinVar:

NM_198578.4(LRRK2):c.2335A>G (p.Ile779Val)

Gene: LRRK2 (leucine rich repeat kinase 2; plus strand). Cytogenetic location: 12q12.
Variant type: single nucleotide variant.
Coding change: c.2335A>G on transcript NM_198578.4 (MANE Select); coding-DNA position 2335, A replaced by G.
Protein change: p.Ile779Val; replaces isoleucine 779 with valine.
Molecular consequence: missense variant.
Genome position (GRCh38, 1-based): chr12:40,283,968, A>G. VCF-style: chr12-40283968-A-G. GRCh37 (hg19) VCF-style: chr12-40677770-A-G.
Other names: short protein forms I779V.
Identifiers: ClinVar variation 2453123 (VCV002453123.2), dbSNP rs748862907, ClinGen allele CA384406578.

ClinVar aggregate classification (germline): Uncertain significance (1 of 4 stars; one submission).

Conditions:
Inborn genetic diseases. Identifiers: MedGen C0950123, MeSH D030342.

Allele frequency attached by ClinVar (database versions not stated): TOPMed below 0.00001.

Submission:

Ambry Genetics
Classification: Uncertain significance for Inborn genetic diseases. Last evaluated: 2023-02-23. Review status: criteria provided, single submitter. Criteria: Ambry Variant Classification Scheme 2023. Collection method: clinical testing. Allele origin: germline.
Comment: The p.I779V variant (also known as c.2335A>G), located in coding exon 19 of the LRRK2 gene, results from an A to G substitution at nucleotide position 2335. The isoleucine at codon 779 is replaced by valine, an amino acid with highly similar properties. This amino acid position is conserved. In addition, this alteration is predicted to be tolerated by in silico analysis. Since supporting evidence is limited at this time, the clinical significance of this alteration remains unclear.